The following is an entry in ClinVar:

ClinVar aggregate classification (germline): Uncertain significance (1 of 4 stars; one submission).

Conditions:
Primary ciliary dyskinesia 7. Also called: CILIARY DYSKINESIA, PRIMARY, 7, WITH OR WITHOUT SITUS INVERSUS. Identifiers: Orphanet 244, MedGen C2678473, MONDO:0012748, OMIM 611884.

gnomAD v4.1: 1 of 1,613,840 alleles (0.000062%); highest among the groups gnomAD compares: East Asian, 0.0022%; no homozygotes.

Submission:

Neuberg Centre For Genomic Medicine, NCGM
Classification: Uncertain significance for Primary ciliary dyskinesia 7. Last evaluated: 2023-06-22. Review status: criteria provided, single submitter. Criteria: ACMG Guidelines, 2015. Collection method: clinical testing. Allele origin: germline. Inheritance: Autosomal recessive inheritance. Affected: yes.
Comment: The observed missense c.6916G>T (p.Ala2306Ser) variant in DNAH11 gene has not been reported previously as a pathogenic variant nor as a benign variant, to our knowledge. The p.Ala2306Ser variant is absent in gnomAD Exomes. This variant has not been submitted to the ClinVar database. Multiple lines of computational evidence (SIFT - Damaging and MutationTaster - Disease causing) predict a damaging effect on protein structure and function for this variant. The reference amino acid of p.Ala2306Ser in CYP1B1 is predicted as conserved by GERP++ and PhyloP across 100 vertebrates. The amino acid Ala at position 2306 is changed to a Ser changing protein sequence and it might alter its composition and physico-chemical properties. For these reasons, this variant has been classified as a Variant of Uncertain Significance (VUS).

NM_001277115.2(DNAH11):c.6916G>T (p.Ala2306Ser)

Gene: DNAH11 (dynein axonemal heavy chain 11; plus strand). Cytogenetic location: 7p15.3.
Variant type: single nucleotide variant.
Coding change: c.6916G>T on transcript NM_001277115.2 (MANE Select); coding-DNA position 6916, G replaced by T.
Protein change: p.Ala2306Ser; replaces alanine 2306 with serine.
Molecular consequence: missense variant.
Genome position (GRCh38, 1-based): chr7:21,711,793, G>T. VCF-style: chr7-21711793-G-T. GRCh37 (hg19) VCF-style: chr7-21751411-G-T.
Other names: short protein forms A2306S.
Identifiers: ClinVar variation 3377563 (VCV003377563.1).